The following is an entry in ClinVar:

ClinVar aggregate classification (germline): Pathogenic. Review status: criteria provided, multiple submitters, no conflicts (2 of 4 stars). 7 submissions from 6 submitters: Pathogenic (5). 2 of the submissions do not count toward it. Last evaluated 2024-05-08.

Conditions:
FGFR2-related disorder. Identifiers: MedGen CN380096.
Aural atresia, congenital (CAA). Also called: AURAL ATRESIA, CONGENITAL, WITH HYPOSMIA. Identifiers: MedGen C1842937, MONDO:0011921, OMIM 607842.
Pfeiffer syndrome (ACS5). Also called: ACS V. Identifiers: Orphanet 710, MedGen C0220658, MONDO:0007043, OMIM 101600.

Submissions (7):

GeneDx
Classification: Pathogenic. Last evaluated: 2024-05-08. Review status: criteria provided, single submitter. Criteria: GeneDx Variant Classification Process June 2021. Collection method: clinical testing. Allele origin: germline. Affected: yes.
Comment: Not observed at significant frequency in large population cohorts (gnomAD); In silico analysis supports that this missense variant has a deleterious effect on protein structure/function; This variant is associated with the following publications: (PMID: 29620724, 16955501, 30355600, 30132994, 24656465, 22965899, 18049087, 25103625, 36316724, 23754559, 27535533, 29230096, 9300656, 27683237, 9150725, 11380927, 24411056, 27228464, 23786770, 15565658, 24127277)

PreventionGenetics, part of Exact Sciences
Classification: Pathogenic for FGFR2-related condition. Last evaluated: 2022-12-20. Review status: criteria provided, single submitter. Criteria: ACMG Guidelines, 2015. Collection method: clinical testing. Allele origin: germline.
Comment: The FGFR2 c.870G>C variant is predicted to result in the amino acid substitution p.Trp290Cys. This variant has been well documented to be causative for Pfeiffer syndrome (see for example Nazzaro et al. 2004. PubMed ID: 15565658; Oliveira et al. 2006. PubMed ID: 16955501; Chen et al. 2013. PubMed ID: 24411056; Wenger et al. 2017. PubMed ID: 27228464). In addition, alternate nucleotide changes affecting the same amino acid have been reported to be pathogenic for Pfeiffer syndrome or syndromic craniosynostosis (Ohishi et al. 2017. PubMed ID: 27683237; Saliba et al. 2018. PubMed ID: 29436723; Zhang et al. 2019. PubMed ID: 30692697; Human Gene Mutation Database). This variant has not been reported in a large population database, indicating this variant is rare. This variant is interpreted as pathogenic.

Seattle Children's Hospital Molecular Genetics Laboratory, Seattle Children's Hospital
Classification: Pathogenic for Aural atresia, congenital. Last evaluated: 2020-01-23. Review status: criteria provided, single submitter. Criteria: ACMG Guidelines, 2015. Collection method: clinical testing. Allele origin: germline. Affected: yes.
Comment: The c.870G>C variant within exon 7 is a recurrent change that has previously been reported in multiple individuals with Pfeiffer syndrome (PMID: 9150725, 11380927, 15565658, 16955501, 24411056, 27228464). The variant is absent from population databases (GnomAD). Other variants (c.870G>T) resulting in the same p.W290C protein change, as well as other amino acid substitutions at position 290, have been reported in individuals with craniosynostosis. Multiple in silico tools predict that the c.870G>C variant has a deleterious effect (DANN, DEOGEN2, EIGEN, FATHMM-MKL, M CAP, MVP, MutationAssessor, MutationTaster, PrimateAI, REVEL and SIFT). The p.W290C pathogenic variant has been most often observed in patients with a severe presentation who carry a clinical diagnosis of Pfeiffer syndrome type 2 or 3. Common phenotypic features include multisuture craniosynostosis, tracheal cartilaginous sleeve, severe ocular proptosis, elbow synostosis, intestinal malrotation, and short stature. Given the severity of the clinical presentation associated with the FGFR2 p.W290C variant, an aggressive surgical approach has been recommended (PMID: 29915381).

Genomic Diagnostic Laboratory, Division of Genomic Diagnostics, Children's Hospital of Philadelphia
Classification: Pathogenic for Pfeiffer syndrome. Last evaluated: 2016-09-17. Review status: criteria provided, single submitter. Criteria: DGD Variant Analysis Guidelines. Collection method: clinical testing. Allele origin: germline. Affected: yes. Observed: 3 variant alleles.
Comment: Clinical Testing

Seattle Children's Hospital Molecular Genetics Laboratory, Seattle Children's Hospital
Classification: Pathogenic for Pfeiffer syndrome. Review status: criteria provided, single submitter. Criteria: ACMG Guidelines, 2015. Collection method: clinical testing. Allele origin: germline. Affected: yes.

Genetic Services Laboratory, University of Chicago
Classification: Pathogenic. Last evaluated: 2022-03-24. Review status: no assertion criteria provided. Collection method: clinical testing. Allele origin: germline. Affected: yes. Not counted in ClinVar's aggregate classification.
Comment: DNA sequence analysis of the FGFR2 gene demonstrated a sequence change, c.870G>C, in exon 7 that results in an amino acid change, p.Trp290Cys. The p.Trp290Cys change affects a highly conserved amino acid residue located in a domain of the FGFR2 protein that is known to be functional. The p.Trp290Cys substitution appears to be deleterious using several in-silico pathogenicity prediction tools (SIFT, PolyPhen2, Align GVGD, and REVEL). This sequence change has previously been described in several individuals with Pfeiffer syndrome (PMID: 9150725, 11380927, 24411056, 30132994, 15565658, and 16955501). Same amino acid change with a different nucleotide substitution (c.870G>T, p.Try290Cys) has also been reported in association with craniosynostosis syndromes and has been determined to be pathogenic (PMID: 9475591, 24036790, 18618990, and 27683237). This sequence change has not been described in population databases such as ExAC and gnomAD. These collective evidences indicate that this sequence change is pathogenic.

OMIM
Classification: Pathogenic for PFEIFFER SYNDROME. Last evaluated: 1997-05-01. Review status: no assertion criteria provided. Collection method: literature only. Allele origin: germline. Not counted in ClinVar's aggregate classification.

Literature cited by the submitters: PubMed 9150725 (cited by OMIM).

NM_000141.5(FGFR2):c.870G>C (p.Trp290Cys)

Gene: FGFR2 (fibroblast growth factor receptor 2; minus strand). Cytogenetic location: 10q26.13.
Variant type: single nucleotide variant.
Coding change: c.870G>C on transcript NM_000141.5 (MANE Select); coding-DNA position 870, G replaced by C.
Protein change: p.Trp290Cys; replaces tryptophan 290 with cysteine.
Molecular consequence: missense variant. On other transcripts: non-coding transcript variant (1), intron variant (1).
Genome position (GRCh38, 1-based): chr10:121,520,048, C>G on the plus strand (G>C on the coding strand, the complement: FGFR2 is on the minus strand). VCF-style: chr10-121520048-C-G. GRCh37 (hg19) VCF-style: chr10-123279562-C-G.
Other names: c.870G>C, p.Trp290Cys (NM_001144913.1, NM_001144917.2, NM_001320658.2 and 1 more transcripts); c.603G>C, p.Trp201Cys (NM_001144915.2, NM_001144919.2, NM_023029.3); c.525G>C, p.Trp175Cys (NM_001144916.2, NM_001144918.2); c.186G>C, p.Trp62Cys (NM_001320654.2); c.749-4729G>C (NM_001144914.1); short protein forms W290C, W201C, W62C, W175C.
Identifiers: ClinVar variation 13281 (VCV000013281.9), dbSNP rs121918499, ClinGen allele CA280182.